The following is an entry in ClinVar:

ClinVar aggregate classification (germline): Conflicting classifications of pathogenicity. Review status: criteria provided, conflicting classifications (1 of 4 stars). 3 submissions from 3 submitters: Uncertain significance (2); Likely benign (1). Last evaluated 2026-01-20.

Conditions:
Hereditary cancer-predisposing syndrome. Also called: Tumor predisposition; Hereditary neoplastic syndrome; Neoplastic Syndromes, Hereditary; Hereditary Cancer Syndrome. Identifiers: Orphanet 140162, MedGen C0027672, MeSH D009386, MONDO:0015356.

Allele frequency attached by ClinVar (database versions not stated): gnomAD exomes below 0.00001 and 0.00001; ExAC 0.00001; gnomAD 0.00002; TOPMed 0.00004.
gnomAD v4.1: 10 of 1,613,502 alleles (0.00062%); highest among the groups gnomAD compares: African/African-American, 0.0093%; no homozygotes.

Submissions (3):

Labcorp Genetics (formerly Invitae), Labcorp
Classification: Uncertain significance. Last evaluated: 2026-01-20. Review status: criteria provided, single submitter. Criteria: Invitae Variant Classification Sherloc (09022015). Collection method: clinical testing. Allele origin: germline.
Comment: This sequence change replaces glycine, which is neutral and non-polar, with glutamic acid, which is acidic and polar, at codon 1945 of the POLE protein (p.Gly1945Glu). This variant is present in population databases (rs773257929, gnomAD 0.01%). This variant has not been reported in the literature in individuals affected with POLE-related conditions. ClinVar contains an entry for this variant (Variation ID: 664541). An algorithm developed to predict the effect of missense changes on protein structure and function outputs the following: PolyPhen-2: "Benign". The glutamic acid amino acid residue is found in multiple mammalian species, which suggests that this missense change does not adversely affect protein function. In summary, the available evidence is currently insufficient to determine the role of this variant in disease. Therefore, it has been classified as a Variant of Uncertain Significance.

Ambry Genetics
Classification: Likely benign for Hereditary cancer-predisposing syndrome. Last evaluated: 2025-04-28. Review status: criteria provided, single submitter. Criteria: Ambry Variant Classification Scheme 2023. Collection method: clinical testing. Allele origin: germline.

GeneDx
Classification: Uncertain significance. Last evaluated: 2025-01-14. Review status: criteria provided, single submitter. Criteria: GeneDx Variant Classification Process June 2021. Collection method: clinical testing. Allele origin: germline. Affected: yes.
Comment: Not observed at significant frequency in large population cohorts (gnomAD); In silico analysis indicates that this missense variant does not alter protein structure/function; Has not been previously published as pathogenic or benign to our knowledge

NM_006231.4(POLE):c.5834G>A (p.Gly1945Glu)

Gene: POLE (DNA polymerase epsilon, catalytic subunit; minus strand). Cytogenetic location: 12q24.33.
Variant type: single nucleotide variant.
Coding change: c.5834G>A on transcript NM_006231.4 (MANE Select); coding-DNA position 5834, G replaced by A.
Protein change: p.Gly1945Glu; replaces glycine 1945 with glutamic acid.
Molecular consequence: missense variant.
Genome position (GRCh38, 1-based): chr12:132,634,356, C>T on the plus strand (G>A on the coding strand, the complement: POLE is on the minus strand). VCF-style: chr12-132634356-C-T. GRCh37 (hg19) VCF-style: chr12-133210942-C-T.
Other names: short protein forms G1945E.
Identifiers: ClinVar variation 664541 (VCV000664541.16), dbSNP rs773257929, ClinGen allele CA6892360.